The following is an entry in ClinVar:

NM_006019.4(TCIRG1):c.391G>C (p.Val131Leu)

Gene: TCIRG1 (T cell immune regulator 1, ATPase H+ transporting V0 subunit a3; plus strand). Cytogenetic location: 11q13.2.
Variant type: single nucleotide variant.
Coding change: c.391G>C on transcript NM_006019.4 (MANE Select); coding-DNA position 391, G replaced by C.
Protein change: p.Val131Leu; replaces valine 131 with leucine.
Molecular consequence: missense variant. On other transcripts: 5 prime UTR variant (1).
Genome position (GRCh38, 1-based): chr11:68,042,837, G>C. VCF-style: chr11-68042837-G-C. GRCh37 (hg19) VCF-style: chr11-67810304-G-C.
Other names: c.-859G>C (NM_001351059.2); short protein forms V131L.
Identifiers: ClinVar variation 3612726 (VCV003612726.2).

ClinVar aggregate classification (germline): Uncertain significance (1 of 4 stars; one submission).

gnomAD v4.1: 3 of 1,549,106 alleles (0.00019%); highest among the groups gnomAD compares: African/African-American, 0.0014%; no homozygotes.

Submission:

Labcorp Genetics (formerly Invitae), Labcorp
Classification: Uncertain significance. Last evaluated: 2024-08-21. Review status: criteria provided, single submitter. Criteria: Invitae Variant Classification Sherloc (09022015). Collection method: clinical testing. Allele origin: germline.
Comment: This sequence change replaces valine, which is neutral and non-polar, with leucine, which is neutral and non-polar, at codon 131 of the TCIRG1 protein (p.Val131Leu). This variant is not present in population databases (gnomAD no frequency). This variant has not been reported in the literature in individuals affected with TCIRG1-related conditions. Invitae Evidence Modeling of protein sequence and biophysical properties (such as structural, functional, and spatial information, amino acid conservation, physicochemical variation, residue mobility, and thermodynamic stability) indicates that this missense variant is not expected to disrupt TCIRG1 protein function with a negative predictive value of 80%. In summary, the available evidence is currently insufficient to determine the role of this variant in disease. Therefore, it has been classified as a Variant of Uncertain Significance.